The following is an entry in ClinVar:

NM_015065.3(EXPH5):c.297T>A (p.Pro99=)

Gene: EXPH5 (exophilin 5; minus strand). Cytogenetic location: 11q22.3.
Variant type: single nucleotide variant.
Coding change: c.297T>A on transcript NM_015065.3 (MANE Select); coding-DNA position 297, T replaced by A.
Protein change: p.Pro99=; no amino-acid change (proline 99 retained).
Molecular consequence: synonymous variant.
Genome position (GRCh38, 1-based): chr11:108,539,170, A>T on the plus strand (T>A on the coding strand, the complement: EXPH5 is on the minus strand). VCF-style: chr11-108539170-A-T. GRCh37 (hg19) VCF-style: chr11-108409897-A-T.
Other names: c.69T>A, p.Pro23= (NM_001144763.2); c.276T>A, p.Pro92= (NM_001308019.2).
Identifiers: ClinVar variation 2570811 (VCV002570811.27), dbSNP rs758309070, ClinGen allele CA6268308.

ClinVar aggregate classification (germline): Likely benign (1 of 4 stars; one submission).

Allele frequency attached by ClinVar (database versions not stated): ExAC 0.00001; gnomAD 0.00001; gnomAD exomes 0.00001.
gnomAD v4.1: 7 of 1,584,088 alleles (0.00044%); highest among the groups gnomAD compares: Non-Finnish European, 0.000086%; no homozygotes.

Submission:

CeGaT Center for Human Genetics Tuebingen
Classification: Likely benign. Last evaluated: 2023-04-01. Review status: criteria provided, single submitter. Criteria: CeGaT Center For Human Genetics Tuebingen Variant Classification Criteria Version 2. Collection method: clinical testing. Allele origin: germline. Affected: yes. Observed: 1 variant allele.
Comment: EXPH5: BP4, BP7